The following is an entry in ClinVar:

NM_001166108.2(PALLD):c.278G>A (p.Arg93Lys)

Gene: PALLD (palladin, cytoskeletal associated protein; plus strand). Cytogenetic location: 4q32.3.
Variant type: single nucleotide variant.
Coding change: c.278G>A on transcript NM_001166108.2 (MANE Select); coding-DNA position 278, G replaced by A.
Protein change: p.Arg93Lys; replaces arginine 93 with lysine.
Molecular consequence: missense variant.
Genome position (GRCh38, 1-based): chr4:168,511,782, G>A. VCF-style: chr4-168511782-G-A. GRCh37 (hg19) VCF-style: chr4-169432933-G-A.
Other names: c.278G>A, p.Arg93Lys (NM_016081.4); short protein forms R93K.
Identifiers: ClinVar variation 1796022 (VCV001796022.2), dbSNP rs913975952, ClinGen allele CA358725200.

ClinVar aggregate classification (germline): Uncertain significance (1 of 4 stars; one submission).

Submission:

Ambry Genetics
Classification: Uncertain significance. Last evaluated: 2022-05-09. Review status: criteria provided, single submitter. Criteria: Ambry Variant Classification Scheme 2023. Collection method: clinical testing. Allele origin: germline.
Comment: The p.R93K variant (also known as c.278G>A), located in coding exon 1 of the PALLD gene, results from a G to A substitution at nucleotide position 278. The arginine at codon 93 is replaced by lysine, an amino acid with highly similar properties. This amino acid position is conserved. In addition, this alteration is predicted to be tolerated by in silico analysis. Since supporting evidence is limited at this time, the clinical significance of this alteration remains unclear.